The following is an entry in ClinVar:

ClinVar aggregate classification (germline): Conflicting classifications of pathogenicity. Review status: criteria provided, conflicting classifications (1 of 4 stars). 5 submissions from 5 submitters: Uncertain significance (1); Likely benign (4). Last evaluated 2026-01-28.

Conditions:
Cerebral arteriopathy, autosomal dominant, with subcortical infarcts and leukoencephalopathy, type 1 (CADASIL1). Also called: CADASIL 1; Cerebral arteriopathy with subcortical infarcts and leukoencephalopathy 1; CASIL; DEMENTIA, HEREDITARY MULTIINFARCT TYPE. Identifiers: Orphanet 136, MedGen C4551768, MONDO:0000914, OMIM 125310.

Allele frequency attached by ClinVar (database versions not stated): gnomAD 0.00003; ExAC 0.00004; gnomAD exomes 0.00005; TOPMed 0.00005.

Submissions (5):

Labcorp Genetics (formerly Invitae), Labcorp
Classification: Likely benign. Last evaluated: 2026-01-28. Review status: criteria provided, single submitter. Criteria: Invitae Variant Classification Sherloc (09022015). Collection method: clinical testing. Allele origin: germline.

CeGaT Center for Human Genetics Tuebingen
Classification: Likely benign. Last evaluated: 2026-01-01. Review status: criteria provided, single submitter. Criteria: CeGaT Center For Human Genetics Tuebingen Variant Classification Criteria Version 2. Collection method: clinical testing. Allele origin: germline. Affected: yes. Observed: 1 variant allele.
Comment: NOTCH3: BP4, BP7

Blueprint Genetics
Classification: Likely benign. Last evaluated: 2022-09-15. Review status: criteria provided, single submitter. Criteria: ACMG Guidelines, 2015. Collection method: clinical testing. Allele origin: germline.

ARUP Laboratories, Molecular Genetics and Genomics, ARUP Laboratories
Classification: Likely benign. Last evaluated: 2019-09-13. Review status: criteria provided, single submitter. Criteria: ARUP Molecular Germline Variant Investigation Process. Collection method: clinical testing. Allele origin: germline.

Illumina Laboratory Services, Illumina
Classification: Uncertain significance for Cerebral arteriopathy, autosomal dominant, with subcortical infarcts and leukoencephalopathy, type 1. Last evaluated: 2018-01-13. Review status: criteria provided, single submitter. Criteria: ICSL Variant Classification Criteria 13 December 2019. Collection method: clinical testing. Allele origin: germline.

NM_000435.3(NOTCH3):c.2589G>A (p.Ser863=)

Gene: NOTCH3 (notch receptor 3; minus strand). Cytogenetic location: 19p13.12.
Variant type: single nucleotide variant.
Coding change: c.2589G>A on transcript NM_000435.3 (MANE Select); coding-DNA position 2589, G replaced by A.
Protein change: p.Ser863=; no amino-acid change (serine 863 retained).
Molecular consequence: synonymous variant.
Genome position (GRCh38, 1-based): chr19:15,181,779, C>T on the plus strand (G>A on the coding strand, the complement: NOTCH3 is on the minus strand). VCF-style: chr19-15181779-C-T. GRCh37 (hg19) VCF-style: chr19-15292590-C-T.
Identifiers: ClinVar variation 328403 (VCV000328403.22), dbSNP rs530503488, ClinGen allele CA9263319.